The following is an entry in ClinVar:

NM_001286.5(CLCN6):c.181T>C (p.Tyr61His)

Gene: CLCN6 (chloride voltage-gated channel 6; plus strand). Cytogenetic location: 1p36.22.
Variant type: single nucleotide variant.
Coding change: c.181T>C on transcript NM_001286.5 (MANE Select); coding-DNA position 181, T replaced by C.
Protein change: p.Tyr61His; replaces tyrosine 61 with histidine.
Molecular consequence: missense variant. On other transcripts: non-coding transcript variant (1), intron variant (1).
Genome position (GRCh38, 1-based): chr1:11,815,879, T>C. VCF-style: chr1-11815879-T-C. GRCh37 (hg19) VCF-style: chr1-11875936-T-C.
Other names: c.148-736T>C (NM_001256959.2); short protein forms Y61H.
Identifiers: ClinVar variation 4735240 (VCV004735240.1).

ClinVar aggregate classification (germline): Uncertain significance (1 of 4 stars; one submission).

Submission:

Labcorp Genetics (formerly Invitae), Labcorp
Classification: Uncertain significance. Last evaluated: 2026-01-12. Review status: criteria provided, single submitter. Criteria: Invitae Variant Classification Sherloc (09022015). Collection method: clinical testing. Allele origin: germline.
Comment: This sequence change replaces tyrosine, which is neutral and polar, with histidine, which is basic and polar, at codon 61 of the CLCN6 protein (p.Tyr61His). This variant is not present in population databases (gnomAD no frequency). This variant has not been reported in the literature in individuals affected with CLCN6-related conditions. An algorithm developed to predict the effect of missense changes on protein structure and function (PolyPhen-2) suggests that this variant is likely to be tolerated. In summary, the available evidence is currently insufficient to determine the role of this variant in disease. Therefore, it has been classified as a Variant of Uncertain Significance.